The following is an entry in ClinVar:

ClinVar aggregate classification (germline): Pathogenic (1 of 4 stars; one submission).

Submission:

Labcorp Genetics (formerly Invitae), Labcorp
Classification: Pathogenic. Last evaluated: 2021-04-02. Review status: criteria provided, single submitter. Criteria: Invitae Variant Classification Sherloc (09022015). Collection method: clinical testing. Allele origin: germline.
Comment: This variant has not been reported in the literature in individuals with SI-related conditions. This variant is not present in population databases (ExAC no frequency). This sequence change creates a premature translational stop signal (p.Arg647Lysfs*43) in the SI gene. It is expected to result in an absent or disrupted protein product. Loss-of-function variants in SI are known to be pathogenic (PMID: 16329100, 23103650, 25452324). For these reasons, this variant has been classified as Pathogenic.

Literature cited by the submitters: PubMed 16329100; PubMed 23103650; PubMed 25452324.

NM_001041.4(SI):c.1940del (p.Arg647fs)

Gene: SI (sucrase-isomaltase; minus strand). Cytogenetic location: 3q26.1.
Variant type: Deletion.
Coding change: c.1940del on transcript NM_001041.4 (MANE Select); coding-DNA position 1940, one base deleted (G; older notation c.1940delG).
Protein change: p.Arg647fs; shifts the reading frame from arginine 647.
Molecular consequence: frameshift variant.
Genome position (GRCh38, 1-based): chr3:165,043,123, C deleted on the plus strand (G on the coding strand, the reverse complement: SI is on the minus strand). VCF-style (leftmost placement, unchanged base first): chr3-165043122-TC-T. GRCh37 (hg19) VCF-style: chr3-164760910-TC-T.
Other names: short protein forms R647fs.
Identifiers: ClinVar variation 1457223 (VCV001457223.6), dbSNP rs2108222774, ClinGen allele CA2573136714.